The following is an entry in ClinVar:

NM_005739.4(RASGRP1):c.386T>C (p.Val129Ala)

Gene: RASGRP1 (RAS guanyl releasing protein 1; minus strand). Cytogenetic location: 15q14.
Variant type: single nucleotide variant.
Coding change: c.386T>C on transcript NM_005739.4 (MANE Select); coding-DNA position 386, T replaced by C.
Protein change: p.Val129Ala; replaces valine 129 with alanine.
Molecular consequence: missense variant.
Genome position (GRCh38, 1-based): chr15:38,519,312, A>G on the plus strand (T>C on the coding strand, the complement: RASGRP1 is on the minus strand). VCF-style: chr15-38519312-A-G. GRCh37 (hg19) VCF-style: chr15-38811513-A-G.
Other names: c.386T>C, p.Val129Ala (NM_001128602.2, NM_001306086.2); short protein forms V129A.
Identifiers: ClinVar variation 1364408 (VCV001364408.8), dbSNP rs2141128295, ClinGen allele CA391656097.

ClinVar aggregate classification (germline): Uncertain significance (1 of 4 stars; one submission).

Submission:

Labcorp Genetics (formerly Invitae), Labcorp
Classification: Uncertain significance. Last evaluated: 2022-07-05. Review status: criteria provided, single submitter. Criteria: Invitae Variant Classification Sherloc (09022015). Collection method: clinical testing. Allele origin: germline.
Comment: This sequence change replaces valine, which is neutral and non-polar, with alanine, which is neutral and non-polar, at codon 129 of the RASGRP1 protein (p.Val129Ala). This variant is not present in population databases (gnomAD no frequency). This variant has not been reported in the literature in individuals affected with RASGRP1-related conditions. ClinVar contains an entry for this variant (Variation ID: 1364408). Algorithms developed to predict the effect of missense changes on protein structure and function are either unavailable or do not agree on the potential impact of this missense change (SIFT: "Deleterious"; PolyPhen-2: "Benign"; Align-GVGD: "Class C0"). Algorithms developed to predict the effect of sequence changes on RNA splicing suggest that this variant may create or strengthen a splice site. In summary, the available evidence is currently insufficient to determine the role of this variant in disease. Therefore, it has been classified as a Variant of Uncertain Significance.